The following is an entry in ClinVar:

ClinVar aggregate classification (germline): Conflicting classifications of pathogenicity. Review status: criteria provided, conflicting classifications (1 of 4 stars). 4 submissions from 4 submitters: Uncertain significance (3); Benign (1). Last evaluated 2026-02-04.

Conditions:
Polyps, multiple and recurrent inflammatory fibroid, gastrointestinal. Identifiers: MedGen C5193005, MONDO:0008285, OMIM 175510.
Gastrointestinal stromal tumor. Also called: Gastrointestinal stromal tumor, somatic; Gastrointestinal stroma tumor. Identifiers: Orphanet 44890, MedGen C0238198, MeSH D046152, MONDO:0011719, OMIM 606764, HP:0100723.
Hereditary cancer-predisposing syndrome. Also called: Neoplastic Syndromes, Hereditary; Hereditary Cancer Syndrome; Hereditary neoplastic syndrome; Tumor predisposition. Identifiers: Orphanet 140162, MedGen C0027672, MeSH D009386, MONDO:0015356.

Allele frequency attached by ClinVar (database versions not stated): TOPMed below 0.00001; gnomAD exomes 0.00001 and 0.00006; ExAC 0.00002.
gnomAD v4.1: 19 of 1,613,968 alleles (0.0012%); highest among the groups gnomAD compares: Admixed American, 0.032%; no homozygotes.

Submissions (4):

Labcorp Genetics (formerly Invitae), Labcorp
Classification: Uncertain significance for Gastrointestinal stromal tumor. Last evaluated: 2026-02-04. Review status: criteria provided, single submitter. Criteria: Invitae Variant Classification Sherloc (09022015). Collection method: clinical testing. Allele origin: germline.
Comment: This sequence change replaces leucine, which is neutral and non-polar, with phenylalanine, which is neutral and non-polar, at codon 535 of the PDGFRA protein (p.Leu535Phe). This variant is present in population databases (rs779575357, gnomAD 0.04%), and has an allele count higher than expected for a pathogenic variant. This variant has not been reported in the literature in individuals affected with PDGFRA-related conditions. ClinVar contains an entry for this variant (Variation ID: 407402). Invitae Evidence Modeling of protein sequence and biophysical properties (such as structural, functional, and spatial information, amino acid conservation, physicochemical variation, residue mobility, and thermodynamic stability) indicates that this missense variant is not expected to disrupt PDGFRA protein function with a negative predictive value of 80%. In summary, the available evidence is currently insufficient to determine the role of this variant in disease. Therefore, it has been classified as a Variant of Uncertain Significance.

Ambry Genetics
Classification: Benign for Hereditary cancer-predisposing syndrome. Last evaluated: 2024-10-02. Review status: criteria provided, single submitter. Criteria: Ambry Variant Classification Scheme 2023. Collection method: clinical testing. Allele origin: germline.

Baylor Genetics
Classification: Uncertain significance for Polyps, multiple and recurrent inflammatory fibroid, gastrointestinal. Last evaluated: 2024-03-28. Review status: criteria provided, single submitter. Criteria: ACMG Guidelines, 2015. Collection method: clinical testing. Allele origin: unknown.

GeneDx
Classification: Uncertain significance. Last evaluated: 2023-11-15. Review status: criteria provided, single submitter. Criteria: GeneDx Variant Classification Process June 2021. Collection method: clinical testing. Allele origin: germline. Affected: yes.
Comment: In silico analysis supports that this missense variant does not alter protein structure/function; Has not been previously published as pathogenic or benign to our knowledge

NM_006206.6(PDGFRA):c.1605G>T (p.Leu535Phe)

Gene: PDGFRA (platelet derived growth factor receptor alpha; plus strand). Cytogenetic location: 4q12.
Variant type: single nucleotide variant.
Coding change: c.1605G>T on transcript NM_006206.6 (MANE Select); coding-DNA position 1605, G replaced by T.
Protein change: p.Leu535Phe; replaces leucine 535 with phenylalanine.
Molecular consequence: missense variant.
Genome position (GRCh38, 1-based): chr4:54,274,577, G>T. VCF-style: chr4-54274577-G-T. GRCh37 (hg19) VCF-style: chr4-55140744-G-T.
Other names: c.1605G>T, p.Leu535Phe (NM_001347827.2, NM_001347829.2); c.1680G>T, p.Leu560Phe (NM_001347828.2); c.1644G>T, p.Leu548Phe (NM_001347830.2); short protein forms L535F, L548F, L560F.
Identifiers: ClinVar variation 407402 (VCV000407402.25), dbSNP rs779575357, ClinGen allele CA2922626.
Genomic context (GRCh38, chr4:54,274,577, plus strand): 5'-CTCTTGTCACGTAGCCCTGCGTTCTGAACTCACGGTGGCTGCTGCAGTCCTGGTGCTGTT[G>T]GTGATTGTGATCATCTCACTTATTGTCCTGGTTGTCATTTGGAAACAGGTAGATATTTTC-3'
Protein context (NP_006197.1, residues 525-545): LTVAAAVLVL[Leu535Phe]VIVIISLIVL